The following is an entry in ClinVar:

ClinVar aggregate classification (germline): Likely benign. Review status: criteria provided, multiple submitters, no conflicts (2 of 4 stars). 2 submissions from 2 submitters: Likely benign (2). Last evaluated 2026-01-13.

Conditions:
CNGB1-related disorder. Also called: CNGB1-related condition.

Allele frequency attached by ClinVar (database versions not stated): TOPMed 0.00005; gnomAD 0.00008; 1000 Genomes Project 30x 0.00016; 1000 Genomes Project 0.00020; ExAC 0.00021.
gnomAD v4.1: 109 of 1,546,118 alleles (0.007%); highest among the groups gnomAD compares: African/African-American, 0.0081%; no homozygotes.

Submissions (2):

Labcorp Genetics (formerly Invitae), Labcorp
Classification: Likely benign. Last evaluated: 2026-01-13. Review status: criteria provided, single submitter. Criteria: Invitae Variant Classification Sherloc (09022015). Collection method: clinical testing. Allele origin: germline.

PreventionGenetics, part of Exact Sciences
Classification: Likely benign for CNGB1-related condition. Last evaluated: 2025-04-08. Review status: criteria provided, single submitter. Criteria: ACMG Guidelines, 2015. Collection method: clinical testing. Allele origin: germline.
Comment: This variant is classified as likely benign based on ACMG/AMP sequence variant interpretation guidelines (Richards et al. 2015 PMID: 25741868, with internal and published modifications).

NM_001297.5(CNGB1):c.584-9G>A

Gene: CNGB1 (cyclic nucleotide gated channel subunit beta 1; minus strand). Cytogenetic location: 16q21.
Variant type: single nucleotide variant.
Coding change: c.584-9G>A on transcript NM_001297.5 (MANE Select); 9 bases into the intron before coding-DNA position 584, G replaced by A.
Molecular consequence: intron variant.
Genome position (GRCh38, 1-based): chr16:57,960,074, C>T on the plus strand (G>A on the coding strand, the complement: CNGB1 is on the minus strand). VCF-style: chr16-57960074-C-T. GRCh37 (hg19) VCF-style: chr16-57993978-C-T.
Other names: c.584-9G>A (NM_001297.4, NM_001135639.2); c.566-9G>A (NM_001286130.2).
Identifiers: ClinVar variation 1596163 (VCV001596163.9), dbSNP rs150499027, ClinGen allele CA8083741.